The following is an entry in ClinVar:

NM_000071.3(CBS):c.531+11G>A

Gene: CBS (cystathionine beta-synthase; minus strand). Cytogenetic location: 21q22.3.
Variant type: single nucleotide variant.
Coding change: c.531+11G>A on transcript NM_000071.3 (MANE Select); 11 bases into the intron after coding-DNA position 531, G replaced by A.
Molecular consequence: intron variant.
Genome position (GRCh38, 1-based): chr21:43,065,605, C>T on the plus strand (G>A on the coding strand, the complement: CBS is on the minus strand). VCF-style: chr21-43065605-C-T. GRCh37 (hg19) VCF-style: chr21-44485715-C-T.
Other names: c.531+11G>A (NM_001320298.2, NM_001178009.3, NM_001178008.3); c.216+11G>A (NM_001321072.1).
Identifiers: ClinVar variation 136666 (VCV000136666.70), dbSNP rs186114513, ClinGen allele CA289971.
Genomic context (GRCh38, chr21:43,065,605, plus strand): 5'-TGCACCTTCCGCCTGGCCCAGGCACCCTCATCCCCTGCCCTATGACCCCGCCCCTGGCCA[C>T]GCCCACCCACCTTCTCGGAGCTCATCTTCTCTGGCATCACGATGATGCAGCGATAGCCCC-3'

ClinVar aggregate classification (germline): Benign/Likely benign. Review status: criteria provided, multiple submitters, no conflicts (2 of 4 stars). 11 submissions from 11 submitters: Benign (5); Likely benign (3). 3 of the submissions do not count toward it. Last evaluated 2026-02-04.

Conditions:
HYPERHOMOCYSTEINEMIA, THROMBOTIC, CBS-RELATED. Identifiers: MedGen C3150344, OMIM 236200.
Classic homocystinuria. Also called: HOMOCYSTINURIA WITH OR WITHOUT RESPONSE TO PYRIDOXINE; Homocystinuria due to Cystathionine Beta-Synthase Deficiency; Homocystinuria due to CBS deficiency; Cystathionine beta-synthase deficiency; CBS deficiency. Identifiers: Orphanet 394, MedGen C0751202, MONDO:0009352, OMIM 236200.
Familial thoracic aortic aneurysm and aortic dissection (TAAD). Also called: Thoracic aortic aneurysms and dissections. Identifiers: Orphanet 91387, MedGen C4707243, MONDO:0019625.

Allele frequency attached by ClinVar (database versions not stated): gnomAD exomes 0.00428; gnomAD 0.00479; ESP Exome Variant Server 0.00540; ExAC 0.00840; 1000 Genomes Project 0.00200.

Submissions (11):

Labcorp Genetics (formerly Invitae), Labcorp
Classification: Benign for HYPERHOMOCYSTEINEMIA, THROMBOTIC, CBS-RELATED. Last evaluated: 2026-02-04. Review status: criteria provided, single submitter. Criteria: Invitae Variant Classification Sherloc (09022015). Collection method: clinical testing. Allele origin: germline.

ARUP Laboratories, Molecular Genetics and Genomics, ARUP Laboratories
Classification: Likely benign. Last evaluated: 2025-07-21. Review status: criteria provided, single submitter. Criteria: ARUP Molecular Germline Variant Investigation Process 2024. Collection method: clinical testing. Allele origin: germline.

Blueprint Genetics
Classification: Likely benign. Last evaluated: 2024-11-27. Review status: criteria provided, single submitter. Criteria: ACMG Guidelines, 2015. Collection method: clinical testing. Allele origin: germline.

Women's Health and Genetics/Laboratory Corporation of America, LabCorp
Classification: Benign. Last evaluated: 2023-07-30. Review status: criteria provided, single submitter. Criteria: LabCorp Variant Classification Summary - May 2015. Collection method: clinical testing. Allele origin: germline.

Illumina Laboratory Services, Illumina
Classification: Benign for Classic homocystinuria. Last evaluated: 2018-01-12. Review status: criteria provided, single submitter. Criteria: ICSL Variant Classification Criteria 13 December 2019. Collection method: clinical testing. Allele origin: germline.
Comment: This variant was observed in the ICSL laboratory as part of a predisposition screen in an ostensibly healthy population. It had not been previously curated by ICSL or reported in the Human Gene Mutation Database (HGMD: prior to June 1st, 2018), and was therefore a candidate for classification through an automated scoring system. Utilizing variant allele frequency, disease prevalence and penetrance estimates, and inheritance mode, an automated score was calculated to assess if this variant is too frequent to cause the disease. Based on the score and internal cut-off values, a variant classified as benign is not then subjected to further curation. The score for this variant resulted in a classification of benign for this disease.

Ambry Genetics
Classification: Likely benign for Familial thoracic aortic aneurysm and aortic dissection. Last evaluated: 2015-09-06. Review status: criteria provided, single submitter. Criteria: Ambry Variant Classification Scheme 2023. Collection method: clinical testing. Allele origin: germline.

Laboratory for Molecular Medicine, Mass General Brigham Personalized Medicine
Classification: Benign. Last evaluated: 2013-04-04. Review status: criteria provided, single submitter. Criteria: LMM Criteria. Collection method: clinical testing. Allele origin: germline. Observed: 1 variant allele.
Comment: 531+11G>A in intron 6 of CBS: This variant is not expected to have clinical sign ificance because it is not located within the conserved splice consensus sequenc e. It has been identified in 0.7% (62/8578) of European American chromosomes fro m a broad population by the NHLBI Exome Sequencing Project (dbSNP rs186114513).

GeneDx
Classification: Benign. Last evaluated: 2013-01-09. Review status: criteria provided, single submitter. Criteria: GeneDx Variant Classification (06012015). Collection method: clinical testing. Allele origin: germline. Affected: yes.
Comment: This variant is considered likely benign or benign based on one or more of the following criteria: it is a conservative change, it occurs at a poorly conserved position in the protein, it is predicted to be benign by multiple in silico algorithms, and/or has population frequency not consistent with disease.

Genome Diagnostics Laboratory, Amsterdam University Medical Center
Classification: Likely benign for Classic homocystinuria. Last evaluated: 2017-01-23. Review status: no assertion criteria provided. Criteria: ACGS Guidelines, 2013. Collection method: clinical testing. Allele origin: germline. Affected: yes. Study: VKGL Data-share Consensus. Not counted in ClinVar's aggregate classification.

Clinical Genetics, Academic Medical Center
Classification: Benign. Review status: no assertion criteria provided. Collection method: clinical testing. Allele origin: germline. Affected: yes. Study: VKGL Data-share Consensus. Not counted in ClinVar's aggregate classification.

Laboratory of Diagnostic Genome Analysis, Leiden University Medical Center (LUMC)
Classification: Likely benign. Review status: no assertion criteria provided. Collection method: clinical testing. Allele origin: germline. Affected: yes. Study: VKGL Data-share Consensus. Not counted in ClinVar's aggregate classification.